The following is an entry in ClinVar:

ClinVar aggregate classification (germline): Uncertain significance (1 of 4 stars; one submission).

Conditions:
Inborn genetic diseases. Identifiers: MedGen C0950123, MeSH D030342.

Submission:

Ambry Genetics
Classification: Uncertain significance for Inborn genetic diseases. Last evaluated: 2025-02-13. Review status: criteria provided, single submitter. Criteria: Ambry Variant Classification Scheme 2023. Collection method: clinical testing. Allele origin: germline.
Comment: The p.A169G variant (also known as c.506C>G), located in coding exon 1 of the SH2B3 gene, results from a C to G substitution at nucleotide position 506. The alanine at codon 169 is replaced by glycine, an amino acid with similar properties. This amino acid position is conserved. In addition, this alteration is predicted to be tolerated by in silico analysis. Based on the available evidence, the clinical significance of this variant remains unclear.

NM_005475.3(SH2B3):c.506C>G (p.Ala169Gly)

Gene: SH2B3 (SH2B adaptor protein 3; plus strand). Cytogenetic location: 12q24.12.
Variant type: single nucleotide variant.
Coding change: c.506C>G on transcript NM_005475.3 (MANE Select); coding-DNA position 506, C replaced by G.
Protein change: p.Ala169Gly; replaces alanine 169 with glycine.
Molecular consequence: missense variant.
Genome position (GRCh38, 1-based): chr12:111,418,651, C>G. VCF-style: chr12-111418651-C-G. GRCh37 (hg19) VCF-style: chr12-111856455-C-G.
Other names: short protein forms A169G.
Identifiers: ClinVar variation 3795190 (VCV003795190.1).
Genomic context (GRCh38, chr12:111,418,651, plus strand): 5'-GCTCGGCCGGGGAGCTGCCAGCGGCCCACACCGCTGCCGCCCCCGGGACCCCCGGAGAGG[C>G]TGCTGAGACCCCCGCCCGGCCTGGCCTGGCCAAGAAGTTCCTGCCCTGGAGCCTGGCCCG-3'
Protein context (NP_005466.1, residues 159-179): TAAAPGTPGE[Ala169Gly]AETPARPGLA